The following is an entry in ClinVar:

ClinVar aggregate classification (germline): Likely benign. Review status: criteria provided, single submitter (1 of 4 stars). 2 submissions from 2 submitters: Likely benign (1). 1 of the submissions does not count toward it. Last evaluated 2024-09-06.

Conditions:
FCN1-related disorder. Also called: FCN1-related condition.

Allele frequency attached by ClinVar (database versions not stated): 1000 Genomes Project 30x 0.00016; 1000 Genomes Project 0.00020; gnomAD 0.00025; TOPMed 0.00026; ExAC 0.00047.
gnomAD v4.1: 508 of 1,614,062 alleles (0.031%); highest among the groups gnomAD compares: Middle Eastern, 0.41%; 3 homozygotes.

Submissions (2):

Blueprint Genetics
Classification: Likely benign. Last evaluated: 2024-09-06. Review status: criteria provided, single submitter. Criteria: ACMG Guidelines, 2015. Collection method: clinical testing. Allele origin: germline.

PreventionGenetics, part of Exact Sciences
Classification: Likely benign for FCN1-related condition. Last evaluated: 2022-05-16. Review status: no assertion criteria provided. Collection method: clinical testing. Allele origin: germline. Not counted in ClinVar's aggregate classification.
Comment: This variant is classified as likely benign based on ACMG/AMP sequence variant interpretation guidelines (Richards et al. 2015 PMID: 25741868, with internal and published modifications).

NM_002003.5(FCN1):c.45G>T (p.Leu15=)

Gene: FCN1 (ficolin 1; minus strand). Cytogenetic location: 9q34.3.
Variant type: single nucleotide variant.
Coding change: c.45G>T on transcript NM_002003.5 (MANE Select); coding-DNA position 45, G replaced by T.
Protein change: p.Leu15=; no amino-acid change (leucine 15 retained).
Molecular consequence: synonymous variant.
Genome position (GRCh38, 1-based): chr9:134,917,827, C>A on the plus strand (G>T on the coding strand, the complement: FCN1 is on the minus strand). VCF-style: chr9-134917827-C-A. GRCh37 (hg19) VCF-style: chr9-137809673-C-A.
Identifiers: ClinVar variation 3055230 (VCV003055230.3), dbSNP rs565391562, ClinGen allele CA5321913.